The following is an entry in ClinVar:

NM_003803.4(MYOM1):c.3292G>A (p.Val1098Ile)

Gene: MYOM1 (myomesin 1; minus strand). Cytogenetic location: 18p11.31.
Variant type: single nucleotide variant.
Coding change: c.3292G>A on transcript NM_003803.4 (MANE Select); coding-DNA position 3292, G replaced by A.
Protein change: p.Val1098Ile; replaces valine 1098 with isoleucine.
Molecular consequence: missense variant.
Genome position (GRCh38, 1-based): chr18:3,116,342, C>T on the plus strand (G>A on the coding strand, the complement: MYOM1 is on the minus strand). VCF-style: chr18-3116342-C-T. GRCh37 (hg19) VCF-style: chr18-3116340-C-T.
Other names: c.3004G>A, p.Val1002Ile (NM_019856.2); short protein forms V1002I, V1098I.
Identifiers: ClinVar variation 1412100 (VCV001412100.11), dbSNP rs747313165, ClinGen allele CA8874362.

ClinVar aggregate classification (germline): Uncertain significance. Review status: criteria provided, multiple submitters, no conflicts (2 of 4 stars). 2 submissions from 2 submitters: Uncertain significance (2). Last evaluated 2026-01-26.

Conditions:
Hypertrophic cardiomyopathy. Also called: HYPERTROPHIC MYOCARDIOPATHY. Identifiers: Orphanet 217569, MedGen C0007194, MeSH D002312, MONDO:0005045, HP:0001639.

Allele frequency attached by ClinVar (database versions not stated): ExAC 0.00001; gnomAD 0.00001; gnomAD exomes 0.00001 and 0.00002; TOPMed 0.00002.
gnomAD v4.1: 16 of 1,611,062 alleles (0.00099%); highest among the groups gnomAD compares: African/African-American, 0.004%; no homozygotes.

Submissions (2):

Labcorp Genetics (formerly Invitae), Labcorp
Classification: Uncertain significance for Hypertrophic cardiomyopathy. Last evaluated: 2026-01-26. Review status: criteria provided, single submitter. Criteria: Invitae Variant Classification Sherloc (09022015). Collection method: clinical testing. Allele origin: germline.
Comment: This sequence change replaces valine, which is neutral and non-polar, with isoleucine, which is neutral and non-polar, at codon 1098 of the MYOM1 protein (p.Val1098Ile). The frequency data for this variant in the population databases is considered unreliable, as metrics indicate poor data quality at this position in the gnomAD database. This variant has not been reported in the literature in individuals affected with MYOM1-related conditions. ClinVar contains an entry for this variant (Variation ID: 1412100). Invitae Evidence Modeling of protein sequence and biophysical properties (such as structural, functional, and spatial information, amino acid conservation, physicochemical variation, residue mobility, and thermodynamic stability) indicates that this missense variant is not expected to disrupt MYOM1 protein function with a negative predictive value of 80%. In summary, the available evidence is currently insufficient to determine the role of this variant in disease. Therefore, it has been classified as a Variant of Uncertain Significance.

Ambry Genetics
Classification: Uncertain significance. Last evaluated: 2024-12-28. Review status: criteria provided, single submitter. Criteria: Ambry Variant Classification Scheme 2023. Collection method: clinical testing. Allele origin: germline.
Comment: The p.V1098I variant (also known as c.3292G>A), located in coding exon 20 of the MYOM1 gene, results from a G to A substitution at nucleotide position 3292. The valine at codon 1098 is replaced by isoleucine, an amino acid with highly similar properties. This amino acid position is conserved. In addition, this alteration is predicted to be tolerated by in silico analysis. Since supporting evidence is limited at this time, the clinical significance of this alteration remains unclear.